The following is an entry in ClinVar:

ClinVar aggregate classification (germline): Uncertain significance (1 of 4 stars; one submission).

Conditions:
Duchenne muscular dystrophy (DMD). Also called: MUSCULAR DYSTROPHY, PSEUDOHYPERTROPHIC PROGRESSIVE, DUCHENNE TYPE; Duchenne Muscular Dystrophy (DMD). Identifiers: Orphanet 98896, MedGen C0013264, MONDO:0010679, OMIM 310200.

Allele frequency attached by ClinVar (database versions not stated): TOPMed below 0.00001.

Submission:

Labcorp Genetics (formerly Invitae), Labcorp
Classification: Uncertain significance for Duchenne muscular dystrophy. Last evaluated: 2023-08-30. Review status: criteria provided, single submitter. Criteria: Invitae Variant Classification Sherloc (09022015). Collection method: clinical testing. Allele origin: germline.
Comment: This variant has not been reported in the literature in individuals affected with DMD-related conditions. In summary, the available evidence is currently insufficient to determine the role of this variant in disease. Therefore, it has been classified as a Variant of Uncertain Significance. Variants that disrupt the consensus splice site are a relatively common cause of aberrant splicing (PMID: 17576681, 9536098). Algorithms developed to predict the effect of sequence changes on RNA splicing suggest that this variant is not likely to affect RNA splicing. ClinVar contains an entry for this variant (Variation ID: 1930050). This sequence change falls in intron 48 of the DMD gene. It does not directly change the encoded amino acid sequence of the DMD protein. It affects a nucleotide within the consensus splice site. This variant is not present in population databases (gnomAD no frequency).

Literature cited by the submitters: PubMed 17576681; PubMed 9536098.

NM_004006.3(DMD):c.7099-3C>T

Gene: DMD (dystrophin; minus strand). Cytogenetic location: Xp21.1.
Variant type: single nucleotide variant.
Coding change: c.7099-3C>T on transcript NM_004006.3 (MANE Select); 3 bases into the intron before coding-DNA position 7099, C replaced by T.
Molecular consequence: intron variant.
Genome position (GRCh38, 1-based): chrX:31,836,822, G>A on the plus strand (C>T on the coding strand, the complement: DMD is on the minus strand). VCF-style: chrX-31836822-G-A. GRCh37 (hg19) VCF-style: chrX-31854939-G-A.
Other names: c.7075-3C>T (NM_000109.4); c.3076-3C>T (NM_004011.4); c.3067-3C>T (NM_004012.4); c.-282-3C>T (NM_004023.3, NM_004020.4, NM_004022.3 and 2 more transcripts); c.7087-3C>T (NM_004009.3); c.6730-3C>T (NM_004010.3).
Identifiers: ClinVar variation 1930050 (VCV001930050.5), dbSNP rs2093209512, ClinGen allele CA2422570822.